The following continues an entry in ClinVar:

NM_003560.4(PLA2G6):c.2239C>T (p.Arg747Trp)

Gene: PLA2G6. ClinVar aggregate classification (germline): Pathogenic/Likely pathogenic. Pathogenic (9); Likely pathogenic (1).

Submissions 8 to 11 of 11:

Fulgent Genetics
Classification: Likely pathogenic for Infantile neuroaxonal dystrophy; Neurodegeneration with brain iron accumulation 2B; Autosomal recessive Parkinson disease 14. Last evaluated: 2018-10-31. Review status: criteria provided, single submitter. Criteria: ACMG Guidelines, 2015. Collection method: clinical testing. Allele origin: unknown.

Baylor Genetics
Classification: Pathogenic for Parkinson disease 14. Last evaluated: 2014-09-11. Review status: criteria provided, single submitter. Criteria: Yang et al. 2013. Collection method: clinical testing. Allele origin: germline. Inheritance: Autosomal recessive inheritance. Affected: yes. Observed: 1 variant allele, 1 homozygote. Study: Adult_WES.

Lifecell International Pvt. Ltd
Classification: Pathogenic for Autosomal recessive Parkinson disease 14. Review status: criteria provided, single submitter. Criteria: ACMG Guidelines, 2015. Collection method: clinical testing. Allele origin: germline. Inheritance: Autosomal recessive inheritance. Affected: yes. Observed: 1 homozygote.
Comment: A Homozygote Missense variant c.2239C>T in Exon 16 of the PLA2G6 gene that results in the amino acid substitution p.Arg747Trp was identified. The observed variant has a minor allele frequency of 0.0003% in gnomAD exomes and genomes, respectively. The severity of the impact of this variant on the protein is medium, based on the effect of the protein and REVEL score. Rare Exome Variant Ensemble Learner (REVEL) is an ensembl method for predicting the pathogenicity of missense variants based on a combination of scores from 13 individual tools: MutPred, FATHMM v2.3, VEST 3.0, PolyPhen-2, SIFT, PROVEAN, MutationAssessor, MutationTaster, LRT, GERP++, SiPhy, phyloP, and phastCons. The REVEL score for an individual missense variant can range from 0 to 1, with higher scores reflecting greater likelihood that the variant is disease-causing. The variant has been reported to ClinVar as Pathogenic/Likely pathogenicwith a status of (2 stars) criteria provided, multiple submitters, no conflicts (Variation ID 6204 as of 2022-12-24). Mutations in the gene have been associated with alterations in PLA2G6 function produce the different disease phenotypes of NBIA/INAD and dystonia-parkinsonism. INAD/NBIA is caused by loss of the ability of PLA2G6 to catalyze fatty acid release from phospholipids (Paisan-Ruiz C et al., 2009; Engel LA et al., 2010). Based on the above evidence this variant has been classified as Pathogenic according to the ACMG guidelines.

OMIM
Classification: Pathogenic for PARKINSON DISEASE 14. Last evaluated: 2009-02-01. Review status: no assertion criteria provided. Collection method: literature only. Allele origin: germline. Not counted in ClinVar's aggregate classification.

Literature cited by the submitters: PubMed 34622992 (cited by Victorian Clinical Genetics Services, Murdoch Childrens Research Institute); PubMed 27127721 (cited by Victorian Clinical Genetics Services, Murdoch Childrens Research Institute and Labcorp Genetics (formerly Invitae), Labcorp); PubMed 28295203 (cited by Victorian Clinical Genetics Services, Murdoch Childrens Research Institute and Labcorp Genetics (formerly Invitae), Labcorp); PubMed 18570303 (cited by 5 submitters); PubMed 35152491 (cited by Victorian Clinical Genetics Services, Murdoch Childrens Research Institute); PubMed 20886109 (cited by 4 submitters); PubMed 26755131 (cited by Labcorp Genetics (formerly Invitae), Labcorp and Broad Center for Mendelian Genomics, Broad Institute of MIT and Harvard); PubMed 35861376 (cited by Labcorp Genetics (formerly Invitae), Labcorp); PubMed 26001724 (cited by Broad Center for Mendelian Genomics, Broad Institute of MIT and Harvard); PubMed 26633545 (cited by Baylor Genetics); PubMed 18981035 (cited by OMIM).